The following is an entry in ClinVar:

ClinVar aggregate classification (germline): Benign. Review status: criteria provided, multiple submitters, no conflicts (2 of 4 stars). 7 submissions from 7 submitters: Benign (7). Last evaluated 2026-02-04.

Conditions:
Arthrogryposis, renal dysfunction, and cholestasis 1 (ARCS1). Identifiers: Orphanet 2697, MedGen C1859722, MONDO:0008822, OMIM 208085.

Allele frequency attached by ClinVar (database versions not stated): gnomAD exomes 0.00340 and 0.01498; gnomAD 0.00686 and 0.00710; ExAC 0.01067; 1000 Genomes Project 30x 0.01218; TOPMed 0.01205; ESP Exome Variant Server 0.00092; 1000 Genomes Project 0.01178.
gnomAD v4.1: 6,040 of 1,614,112 alleles (0.37%); highest among the groups gnomAD compares: Admixed American, 9.1%; 341 homozygotes.

Submissions (7):

Labcorp Genetics (formerly Invitae), Labcorp
Classification: Benign. Last evaluated: 2026-02-04. Review status: criteria provided, single submitter. Criteria: Invitae Variant Classification Sherloc (09022015). Collection method: clinical testing. Allele origin: germline.

Mayo Clinic Laboratories, Mayo Clinic
Classification: Benign. Last evaluated: 2023-08-20. Review status: criteria provided, single submitter. Criteria: ACMG Guidelines, 2015. Collection method: clinical testing. Allele origin: germline. Observed: 46 variant alleles.

GeneDx
Classification: Benign. Last evaluated: 2019-10-02. Review status: criteria provided, single submitter. Criteria: GeneDx Variant Classification Process June 2021. Collection method: clinical testing. Allele origin: germline. Affected: yes.

Illumina Laboratory Services, Illumina
Classification: Benign for Arthrogryposis, renal dysfunction, and cholestasis 1. Last evaluated: 2018-01-12. Review status: criteria provided, single submitter. Criteria: ICSL Variant Classification Criteria 13 December 2019. Collection method: clinical testing. Allele origin: germline.
Comment: This variant was observed in the ICSL laboratory as part of a predisposition screen in an ostensibly healthy population. It had not been previously curated by ICSL or reported in the Human Gene Mutation Database (HGMD: prior to June 1st, 2018), and was therefore a candidate for classification through an automated scoring system. Utilizing variant allele frequency, disease prevalence and penetrance estimates, and inheritance mode, an automated score was calculated to assess if this variant is too frequent to cause the disease. Based on the score and internal cut-off values, a variant classified as benign is not then subjected to further curation. The score for this variant resulted in a classification of benign for this disease.

PreventionGenetics, part of Exact Sciences
Classification: Benign. Last evaluated: 2016-04-12. Review status: criteria provided, single submitter. Criteria: ACMG Guidelines, 2015. Collection method: clinical testing. Allele origin: germline.

Eurofins Ntd Llc (ga)
Classification: Benign. Last evaluated: 2015-10-05. Review status: criteria provided, single submitter. Criteria: EGL Classification Definitions 2015. Collection method: clinical testing. Allele origin: germline. Observed: 1 variant allele, 1 heterozygote.

Breakthrough Genomics
Classification: Benign. Review status: criteria provided, single submitter. Criteria: ACMG Guidelines, 2015. Collection method: not provided. Allele origin: germline. Inheritance: Autosomal recessive inheritance. Affected: yes.

NM_018668.5(VPS33B):c.1671A>G (p.Glu557=)

Gene: VPS33B (VPS33B late endosome and lysosome associated; minus strand). Cytogenetic location: 15q26.1.
Variant type: single nucleotide variant.
Coding change: c.1671A>G on transcript NM_018668.5 (MANE Select); coding-DNA position 1671, A replaced by G.
Protein change: p.Glu557=; no amino-acid change (glutamic acid 557 retained).
Molecular consequence: synonymous variant.
Genome position (GRCh38, 1-based): chr15:90,999,780, T>C on the plus strand (A>G on the coding strand, the complement: VPS33B is on the minus strand). VCF-style: chr15-90999780-T-C. GRCh37 (hg19) VCF-style: chr15-91543010-T-C.
Other names: p.Glu557=; c.1671A>G (NM_018668.4); c.1590A>G, p.Glu530= (NM_001289148.1); c.1398A>G, p.Glu466= (NM_001289149.1).
Identifiers: ClinVar variation 261044 (VCV000261044.20), dbSNP rs148071246, ClinGen allele CA7744542.